The following is an entry in ClinVar:

ClinVar aggregate classification (germline): Uncertain significance (1 of 4 stars; one submission).

Allele frequency attached by ClinVar (database versions not stated): gnomAD exomes 0.00001; ExAC 0.00002; gnomAD 0.00005; TOPMed 0.00006; 1000 Genomes Project 30x 0.00031; 1000 Genomes Project 0.00040.
gnomAD v4.1: 19 of 1,613,694 alleles (0.0012%); highest among the groups gnomAD compares: African/African-American, 0.024%; no homozygotes.

Submission:

Labcorp Genetics (formerly Invitae), Labcorp
Classification: Uncertain significance. Last evaluated: 2022-08-19. Review status: criteria provided, single submitter. Criteria: Invitae Variant Classification Sherloc (09022015). Collection method: clinical testing. Allele origin: germline.
Comment: Algorithms developed to predict the effect of missense changes on protein structure and function output the following: SIFT: "Tolerated"; PolyPhen-2: "Benign"; Align-GVGD: "Class C0". The alanine amino acid residue is found in multiple mammalian species, which suggests that this missense change does not adversely affect protein function. This variant has not been reported in the literature in individuals affected with C7-related conditions. This variant is present in population databases (rs188849291, gnomAD 0.04%). This sequence change replaces valine, which is neutral and non-polar, with alanine, which is neutral and non-polar, at codon 64 of the C7 protein (p.Val64Ala). In summary, the available evidence is currently insufficient to determine the role of this variant in disease. Therefore, it has been classified as a Variant of Uncertain Significance.

NM_000587.4(C7):c.191T>C (p.Val64Ala)

Gene: C7 (complement C7; plus strand). Cytogenetic location: 5p13.1.
Variant type: single nucleotide variant.
Coding change: c.191T>C on transcript NM_000587.4 (MANE Select); coding-DNA position 191, T replaced by C.
Protein change: p.Val64Ala; replaces valine 64 with alanine.
Molecular consequence: missense variant.
Genome position (GRCh38, 1-based): chr5:40,934,377, T>C. VCF-style: chr5-40934377-T-C. GRCh37 (hg19) VCF-style: chr5-40934479-T-C.
Other names: short protein forms V64A.
Identifiers: ClinVar variation 1921620 (VCV001921620.3), dbSNP rs188849291, ClinGen allele CA3249560.